The following is an entry in ClinVar:

ClinVar aggregate classification (germline): Uncertain significance. Review status: criteria provided, multiple submitters, no conflicts (2 of 4 stars). 3 submissions from 3 submitters: Uncertain significance (3). Last evaluated 2025-02-24.

Conditions:
Smith-Magenis syndrome (SMS). Also called: CHROMOSOME 17p11.2 DELETION SYNDROME. Identifiers: Orphanet 819, MedGen C0795864, MONDO:0008434, OMIM 182290.
RAI1-related disorder. Also called: RAI1-related condition.

Allele frequency attached by ClinVar (database versions not stated): TOPMed 0.00001.
gnomAD v4.1: 23 of 1,611,918 alleles (0.0014%); highest among the groups gnomAD compares: South Asian, 0.0044%; no homozygotes.

Submissions (3):

Labcorp Genetics (formerly Invitae), Labcorp
Classification: Uncertain significance. Last evaluated: 2025-02-24. Review status: criteria provided, single submitter. Criteria: Invitae Variant Classification Sherloc (09022015). Collection method: clinical testing. Allele origin: germline.
Comment: This sequence change replaces arginine, which is basic and polar, with tryptophan, which is neutral and slightly polar, at codon 1217 of the RAI1 protein (p.Arg1217Trp). This variant is present in population databases (no rsID available, gnomAD 0.003%). This variant has not been reported in the literature in individuals affected with RAI1-related conditions. ClinVar contains an entry for this variant (Variation ID: 996940). Invitae Evidence Modeling of protein sequence and biophysical properties (such as structural, functional, and spatial information, amino acid conservation, physicochemical variation, residue mobility, and thermodynamic stability) indicates that this missense variant is expected to disrupt RAI1 protein function with a positive predictive value of 80%. In summary, the available evidence is currently insufficient to determine the role of this variant in disease. Therefore, it has been classified as a Variant of Uncertain Significance.

PreventionGenetics, part of Exact Sciences
Classification: Uncertain significance for RAI1-related condition. Last evaluated: 2024-11-13. Review status: criteria provided, single submitter. Criteria: ACMG Guidelines, 2015. Collection method: clinical testing. Allele origin: germline.
Comment: The RAI1 c.3649C>T variant is predicted to result in the amino acid substitution p.Arg1217Trp. This variant has been reported in cohort studies of autism (Fu et al. 2022. PubMed ID: 35982160. Tables S20; Zhou et al. 2022. PubMed ID: 35982159. Supplementary data 1). This variant is reported in 0.0029% of alleles in individuals of Latino descent in gnomAD. At this time, the clinical significance of this variant is uncertain due to the absence of conclusive functional and genetic evidence.

New York Genome Center
Classification: Uncertain significance for Smith-Magenis syndrome. Last evaluated: 2020-05-14. Review status: criteria provided, single submitter. Criteria: NYGC Assertion Criteria 2020. Collection method: clinical testing. Allele origin: germline. Inheritance: Autosomal dominant inheritance. Observed: 1 heterozygote. Study: CSER-NYCKidSeq.

NM_030665.4(RAI1):c.3649C>T (p.Arg1217Trp)

Gene: RAI1 (retinoic acid induced 1; plus strand). Cytogenetic location: 17p11.2.
Variant type: single nucleotide variant.
Coding change: c.3649C>T on transcript NM_030665.4 (MANE Select); coding-DNA position 3649, C replaced by T.
Protein change: p.Arg1217Trp; replaces arginine 1217 with tryptophan.
Molecular consequence: missense variant.
Genome position (GRCh38, 1-based): chr17:17,796,597, C>T. VCF-style: chr17-17796597-C-T. GRCh37 (hg19) VCF-style: chr17-17699911-C-T.
Other names: c.3649C>T (NM_030665.3); short protein forms R1217W.
Identifiers: ClinVar variation 996940 (VCV000996940.7), dbSNP rs898986244, ClinGen allele CA288370517.